The following is an entry in ClinVar:

ClinVar aggregate classification (germline): Uncertain significance (1 of 4 stars; one submission).

Conditions:
Hereditary cancer-predisposing syndrome. Also called: Neoplastic Syndromes, Hereditary; Tumor predisposition; Hereditary neoplastic syndrome; Hereditary Cancer Syndrome. Identifiers: Orphanet 140162, MedGen C0027672, MeSH D009386, MONDO:0015356.

Submission:

Ambry Genetics
Classification: Uncertain significance for Hereditary cancer-predisposing syndrome. Last evaluated: 2026-08-25. Review status: criteria provided, single submitter. Criteria: Ambry Variant Classification Scheme 2023. Collection method: clinical testing. Allele origin: germline.
Comment: The p.M409I variant (also known as c.1227G>A), located in coding exon 12 of the NF2 gene, results from a G to A substitution at nucleotide position 1227. The methionine at codon 409 is replaced by isoleucine, an amino acid with highly similar properties. This amino acid position is well conserved in available vertebrate species. In addition, the in silico prediction for this alteration is inconclusive. Based on the available evidence, the clinical significance of this variant remains unclear.

NM_000268.4(NF2):c.1227G>A (p.Met409Ile)

Gene: NF2 (NF2, moesin-ezrin-radixin like (MERLIN) tumor suppressor; plus strand). Cytogenetic location: 22q12.2.
Variant type: single nucleotide variant.
Coding change: c.1227G>A on transcript NM_000268.4 (MANE Select); coding-DNA position 1227, G replaced by A.
Protein change: p.Met409Ile; replaces methionine 409 with isoleucine.
Molecular consequence: missense variant. On other transcripts: intron variant (1).
Genome position (GRCh38, 1-based): chr22:29,673,373, G>A. VCF-style: chr22-29673373-G-A. GRCh37 (hg19) VCF-style: chr22-30069362-G-A.
Other names: c.1113G>A, p.Met371Ile (NM_001407053.1, NM_001407056.1); c.1104G>A, p.Met368Ile (NM_001407054.1, NM_001407058.1, NM_181829.3); c.1101G>A, p.Met367Ile (NM_001407055.1, NM_181828.3); c.1092G>A, p.Met364Ile (NM_001407057.1, NM_001407059.1); c.1227G>A, p.Met409Ile (NM_001407060.1, NM_001407066.1, NM_016418.5 and 2 more transcripts); c.969G>A, p.Met323Ile (NM_001407062.1); c.978G>A, p.Met326Ile (NM_001407063.1, NM_001407064.1, NM_181830.3 and 1 more transcripts); c.693G>A, p.Met231Ile (NM_001407065.1); and 2 more; short protein forms M332I, M364I, M323I, M367I, M368I, M371I, M231I, M326I.
Identifiers: ClinVar variation 5025715 (VCV005025715.1).